The following is an entry in ClinVar:

NM_000391.4(TPP1):c.128C>T (p.Pro43Leu)

Gene: TPP1 (tripeptidyl peptidase 1; minus strand). Cytogenetic location: 11p15.4.
Variant type: single nucleotide variant.
Coding change: c.128C>T on transcript NM_000391.4 (MANE Select); coding-DNA position 128, C replaced by T.
Protein change: p.Pro43Leu; replaces proline 43 with leucine.
Molecular consequence: missense variant.
Genome position (GRCh38, 1-based): chr11:6,618,877, G>A on the plus strand (C>T on the coding strand, the complement: TPP1 is on the minus strand). VCF-style: chr11-6618877-G-A. GRCh37 (hg19) VCF-style: chr11-6640108-G-A.
Other names: short protein forms P43L.
Identifiers: ClinVar variation 2125275 (VCV002125275.4), dbSNP rs796053434, ClinGen allele CA379476841.

ClinVar aggregate classification (germline): Uncertain significance (1 of 4 stars; one submission).

Submission:

Labcorp Genetics (formerly Invitae), Labcorp
Classification: Uncertain significance. Last evaluated: 2022-04-12. Review status: criteria provided, single submitter. Criteria: Invitae Variant Classification Sherloc (09022015). Collection method: clinical testing. Allele origin: germline.
Comment: This sequence change replaces proline, which is neutral and non-polar, with leucine, which is neutral and non-polar, at codon 43 of the TPP1 protein (p.Pro43Leu). In summary, the available evidence is currently insufficient to determine the role of this variant in disease. Therefore, it has been classified as a Variant of Uncertain Significance. Algorithms developed to predict the effect of missense changes on protein structure and function are either unavailable or do not agree on the potential impact of this missense change (SIFT: "Deleterious"; PolyPhen-2: "Benign"; Align-GVGD: "Class C0"). This variant has not been reported in the literature in individuals affected with TPP1-related conditions. This variant is not present in population databases (gnomAD no frequency).